The following is an entry in ClinVar:

ClinVar aggregate classification (germline): Uncertain significance. Review status: criteria provided, multiple submitters, no conflicts (2 of 4 stars). 2 submissions from 2 submitters: Uncertain significance (2). Last evaluated 2025-10-02.

Conditions:
Inborn genetic diseases. Identifiers: MedGen C0950123, MeSH D030342.
Desbuquois dysplasia 1 (DBQD1). Also called: DESBUQUOIS DYSPLASIA 1, KIM VARIANT; MICROMELIC DWARFISM WITH VERTEBRAL AND METAPHYSEAL ABNORMALITIES AND ADVANCED CARPOTARSAL OSSIFICATION. Identifiers: Orphanet 1425, MedGen C4012146, MONDO:0009629, OMIM 251450.

Allele frequency attached by ClinVar (database versions not stated): TOPMed below 0.00001.
gnomAD v4.1: 23 of 1,045,336 alleles (0.0022%); highest among the groups gnomAD compares: Non-Finnish European, 0.0024%; no homozygotes.

Submissions (2):

Ambry Genetics
Classification: Uncertain significance for Inborn genetic diseases. Last evaluated: 2025-10-02. Review status: criteria provided, single submitter. Criteria: Ambry Variant Classification Scheme 2023. Collection method: clinical testing. Allele origin: germline.

Labcorp Genetics (formerly Invitae), Labcorp
Classification: Uncertain significance for Desbuquois dysplasia 1. Last evaluated: 2024-01-04. Review status: criteria provided, single submitter. Criteria: Invitae Variant Classification Sherloc (09022015). Collection method: clinical testing. Allele origin: germline.
Comment: This sequence change replaces arginine, which is basic and polar, with glycine, which is neutral and non-polar, at codon 8 of the XYLT1 protein (p.Arg8Gly). This variant is present in population databases (no rsID available, gnomAD 0.01%). This variant has not been reported in the literature in individuals affected with XYLT1-related conditions. Experimental studies and prediction algorithms are not available or were not evaluated, and the functional significance of this variant is currently unknown. In summary, the available evidence is currently insufficient to determine the role of this variant in disease. Therefore, it has been classified as a Variant of Uncertain Significance.

NM_022166.4(XYLT1):c.22C>G (p.Arg8Gly)

Gene: XYLT1 (xylosyltransferase 1; minus strand). Cytogenetic location: 16p12.3.
Variant type: single nucleotide variant.
Coding change: c.22C>G on transcript NM_022166.4 (MANE Select); coding-DNA position 22, C replaced by G.
Protein change: p.Arg8Gly; replaces arginine 8 with glycine.
Molecular consequence: missense variant.
Genome position (GRCh38, 1-based): chr16:17,470,775, G>C on the plus strand (C>G on the coding strand, the complement: XYLT1 is on the minus strand). VCF-style: chr16-17470775-G-C. GRCh37 (hg19) VCF-style: chr16-17564632-G-C.
Other names: c.22C>G (NM_022166.3); short protein forms R8G.
Identifiers: ClinVar variation 2862925 (VCV002862925.4), dbSNP rs997205313, ClinGen allele CA395220555.